The following is an entry in ClinVar:

ClinVar aggregate classification (germline): Likely pathogenic (1 of 4 stars; one submission).

Conditions:
Usher syndrome type 1 (USH1). Also called: RETINITIS PIGMENTOSA AND CONGENITAL DEAFNESS. Identifiers: Orphanet 231169, Orphanet 886, MedGen C1568247, MONDO:0010168, OMIM 276900.

Submission:

Myriad Genetics, Inc.
Classification: Likely pathogenic for Usher syndrome type 1. Last evaluated: 2022-03-06. Review status: criteria provided, single submitter. Criteria: Myriad Women's Health Autosomal Recessive and X-Linked Classification Criteria (2021). Collection method: clinical testing. Allele origin: unknown.
Comment: NM_000260.3(MYO7A):c.2116delC(Q706Sfs*16) is expected to be pathogenic in the context of MYO7A-related disorders. This variant is predicted to lead to an abnormal or absent protein product due to the creation of a premature termination codon in MYO7A, a gene where loss-of-function variants are known to be pathogenic. Please note: this variant was assessed in the context of healthy population screening.

NM_000260.4(MYO7A):c.2116del (p.Gln706fs)

Gene: MYO7A (myosin VIIA; plus strand). Cytogenetic location: 11q13.5.
Variant type: Deletion.
Coding change: c.2116del on transcript NM_000260.4 (MANE Select); coding-DNA position 2116, one base deleted (C; older notation c.2116delC).
Protein change: p.Gln706fs; shifts the reading frame from glutamine 706.
Molecular consequence: frameshift variant.
Genome position (GRCh38, 1-based): chr11:77,175,393, C deleted; the last of 2 consecutive C bases (chr11:77,175,392-77,175,393); deleting either gives the same sequence. VCF-style (leftmost placement, unchanged base first): chr11-77175391-GC-G. GRCh37 (hg19) VCF-style: chr11-76886437-GC-G.
Other names: c.2116del, p.Gln706fs (NM_001127180.2); c.2083del, p.Gln695fs (NM_001369365.1); short protein forms Q695fs, Q706fs.
Identifiers: ClinVar variation 1725077 (VCV001725077.2), dbSNP rs2497089118, ClinGen allele CA2580084932.